The following is an entry in ClinVar:

ClinVar aggregate classification (germline): Likely pathogenic (1 of 4 stars; one submission).

Conditions:
Deficiency of steroid 17-alpha-monooxygenase. Also called: 17-ALPHA-HYDROXYLASE DEFICIENCY; ADRENAL HYPERPLASIA V; Congenital adrenal hyperplasia due to 17-alpha-hydroxylase deficiency; Congenital adrenal hyperplasia type 5; 17-alpha-hydroxylase/17,20-lyase deficiency. Identifiers: Orphanet 90793, MedGen C0268285, MONDO:0008730, OMIM 202110.

Submission:

First Genomix Gene Laboratory, Genetic Diagnostics Department
Classification: Likely pathogenic for Deficiency of steroid 17-alpha-monooxygenase. Last evaluated: 2025-08-05. Review status: criteria provided, single submitter. Criteria: ACMG Guidelines, 2015. Collection method: clinical testing. Allele origin: germline. Inheritance: Autosomal recessive inheritance. Affected: no. Observed: 1 variant allele.

NM_000102.4(CYP17A1):c.42T>G (p.Tyr14Ter)

Gene: CYP17A1 (cytochrome P450 family 17 subfamily A member 1; minus strand). Cytogenetic location: 10q24.32.
Variant type: single nucleotide variant.
Coding change: c.42T>G on transcript NM_000102.4 (MANE Select); coding-DNA position 42, T replaced by G.
Protein change: p.Tyr14Ter; replaces tyrosine 14 with a stop codon.
Molecular consequence: nonsense.
Genome position (GRCh38, 1-based): chr10:102,837,320, A>C on the plus strand (T>G on the coding strand, the complement: CYP17A1 is on the minus strand). VCF-style: chr10-102837320-A-C. GRCh37 (hg19) VCF-style: chr10-104597077-A-C.
Other names: short protein forms Y14*.
Identifiers: ClinVar variation 4850594 (VCV004850594.1).